The following is an entry in ClinVar:

NM_001267550.2(TTN):c.49948+2T>G

Genes: TTN (titin; minus strand), TTN-AS1 (TTN antisense RNA 1; plus strand). Cytogenetic location: 2q31.2.
Variant type: single nucleotide variant.
Coding change: c.49948+2T>G on transcript NM_001267550.2 (MANE Select); the canonical splice donor site of the intron after coding-DNA position 49948, T replaced by G.
Molecular consequence: splice donor variant.
Genome position (GRCh38, 1-based): chr2:178,612,771, A>C on the plus strand (T>G on the coding strand, the complement: TTN is on the minus strand). VCF-style: chr2-178612771-A-C. GRCh37 (hg19) VCF-style: chr2-179477498-A-C.
Other names: c.22753+2T>G (NM_003319.4); c.23329+2T>G (NM_133437.4); c.23128+2T>G (NM_133432.3); c.42244+2T>G (NM_133378.4); c.45025+2T>G (NM_001256850.1).
Identifiers: ClinVar variation 2953043 (VCV002953043.3), dbSNP rs1332632767, ClinGen allele CA349600305.

ClinVar aggregate classification (germline): Pathogenic (1 of 4 stars; one submission).

Conditions:
Autosomal recessive limb-girdle muscular dystrophy type 2J (LGMDR10). Also called: Limb-girdle muscular dystrophy, type 2J; MUSCULAR DYSTROPHY, LIMB-GIRDLE, AUTOSOMAL RECESSIVE 10. Identifiers: Orphanet 140922, MedGen C1837342, MONDO:0012127, OMIM 608807.
Dilated cardiomyopathy 1G (CMD1G). Identifiers: Orphanet 154, MedGen C1858763, MONDO:0011400, OMIM 604145.

Submission:

Labcorp Genetics (formerly Invitae), Labcorp
Classification: Pathogenic for Dilated cardiomyopathy 1G; Autosomal recessive limb-girdle muscular dystrophy type 2J. Last evaluated: 2025-01-27. Review status: criteria provided, single submitter. Criteria: Invitae Variant Classification Sherloc (09022015). Collection method: clinical testing. Allele origin: germline.
Comment: This sequence change affects a donor splice site in intron 265 of the TTN gene. It is expected to disrupt RNA splicing and likely results in a truncated or disrupted TTN protein. This variant is not present in population databases (gnomAD no frequency). Disruption of this splice site has been observed in individual(s) with centronuclear myopathy and/or dilated cardiomyopathy (PMID: 32778822, 34731015). In at least one individual the data is consistent with being in trans (on the opposite chromosome) from a pathogenic variant. ClinVar contains an entry for this variant (Variation ID: 2953043). Algorithms developed to predict the effect of sequence changes on RNA splicing suggest that this variant may disrupt the consensus splice site. This variant is located in the A band of TTN (PMID: 25589632). Truncating variants in this region are significantly overrepresented in patients affected with dilated cardiomyopathy (PMID: 25589632). Truncating variants in this region have also been reported in individuals affected with autosomal recessive centronuclear myopathy (PMID: 23975875). For these reasons, this variant has been classified as Pathogenic.

Literature cited by the submitters: PubMed 32778822; PubMed 34731015; PubMed 25589632; PubMed 23975875.